The following is an entry in ClinVar:

ClinVar aggregate classification (germline): Pathogenic/Likely pathogenic. Review status: criteria provided, multiple submitters, no conflicts (2 of 4 stars). 3 submissions from 3 submitters: Pathogenic (1); Likely pathogenic (2). Last evaluated 2026-08-27.

Conditions:
Familial adenomatous polyposis 1 (FAP1). Also called: FAMILIAL ADENOMATOUS POLYPOSIS 1, ATTENUATED; POLYPOSIS, ADENOMATOUS INTESTINAL. Identifiers: MedGen C2713442, MONDO:0021056, OMIM 175100. Disease mechanism: loss of function.
Hereditary cancer-predisposing syndrome. Also called: Tumor predisposition; Hereditary Cancer Syndrome; Hereditary neoplastic syndrome; Neoplastic Syndromes, Hereditary. Identifiers: Orphanet 140162, MedGen C0027672, MeSH D009386, MONDO:0015356.

Submissions (3):

Ambry Genetics
Classification: Likely pathogenic for Hereditary cancer-predisposing syndrome. Last evaluated: 2026-08-27. Review status: criteria provided, single submitter. Criteria: Ambry Variant Classification Scheme 2023. Collection method: clinical testing. Allele origin: germline.
Comment: The c.5038_5039delCA variant, located in coding exon 15 of the APC gene, results from a deletion of two nucleotides at nucleotide positions 5038 to 5039, causing a translational frameshift with a predicted alternate stop codon (p.Q1680Vfs*3). This variant occurs at the 3' terminus of the gene, is not expected to trigger nonsense-mediated mRNA decay, and impacts the last 41% of the protein. However, premature stop codons are typically deleterious in nature and a significant portion of the protein is affected (Ambry internal data). This variant is considered to be rare based on population cohorts in the Genome Aggregation Database (gnomAD). Based on the majority of available evidence to date, this variant is likely to be pathogenic.

Labcorp Genetics (formerly Invitae), Labcorp
Classification: Pathogenic for Familial adenomatous polyposis 1. Last evaluated: 2024-10-29. Review status: criteria provided, single submitter. Criteria: Invitae Variant Classification Sherloc (09022015). Collection method: clinical testing. Allele origin: germline.
Comment: This sequence change creates a premature translational stop signal (p.Gln1680Valfs*3) in the APC gene. While this is not anticipated to result in nonsense mediated decay, it is expected to disrupt the last 1164 amino acid(s) of the APC protein. This variant is not present in population databases (gnomAD no frequency). This variant has not been reported in the literature in individuals affected with APC-related conditions. This variant is expected to disrupt the EB1 and HDLG binding sites, which mediate interactions with the cytoskeleton (PMID: 15311282, 17293347). While functional studies have not been performed to directly test the effect on APC protein function, this suggests that disruption of the C-terminal portion of the protein is functionally important. A different truncation (p.Tyr2645Lysfs*14) that lies downstream of this variant has been determined to be pathogenic (PMID: 9824584, 1316610, 27081525, 8381579, 22135120, internal data). This suggests that deletion of this region of the APC protein is causative of disease. For these reasons, this variant has been classified as Pathogenic.

Department of Human Genetics, Hannover Medical School
Classification: Likely pathogenic for Familial adenomatous polyposis 1. Last evaluated: 2024-09-24. Review status: criteria provided, single submitter. Criteria: ACMG Guidelines, 2015. Collection method: clinical testing. Allele origin: germline. Inheritance: Autosomal dominant inheritance. Affected: yes.
Comment: ClinGen APC VCEP: PVS1, PM2_Supporting

Literature cited by the submitters: PubMed 15311282 (cited by Labcorp Genetics (formerly Invitae), Labcorp); PubMed 17293347 (cited by Labcorp Genetics (formerly Invitae), Labcorp); PubMed 9824584 (cited by Labcorp Genetics (formerly Invitae), Labcorp); PubMed 1316610 (cited by Labcorp Genetics (formerly Invitae), Labcorp); PubMed 27081525 (cited by Labcorp Genetics (formerly Invitae), Labcorp); PubMed 8381579 (cited by Labcorp Genetics (formerly Invitae), Labcorp); PubMed 22135120 (cited by Labcorp Genetics (formerly Invitae), Labcorp).

NM_000038.6(APC):c.5038_5039del (p.Gln1680fs)

Gene: APC (APC regulator of Wnt signaling pathway; plus strand). Cytogenetic location: 5q22.2.
Variant type: Microsatellite.
Coding change: c.5038_5039del on transcript NM_000038.6 (MANE Select); coding-DNA positions 5038 to 5039, 2 bases deleted (CA; older notation c.5038_5039delCA).
Protein change: p.Gln1680fs; shifts the reading frame from glutamine 1680.
Molecular consequence: frameshift variant. On other transcripts: non-coding transcript variant (2).
Genome position (GRCh38, 1-based): chr5:112,840,632-112,840,633, CA deleted; deleting any 2 consecutive bases within chr5:112,840,630-112,840,633 gives the same sequence; the c. name uses the placement nearest the transcript's 3' end. VCF-style (leftmost placement, unchanged base first): chr5-112840629-GCA-G. GRCh37 (hg19) VCF-style: chr5-112176326-GCA-G.
Other names: c.5038_5039del, p.Gln1680fs (NM_001127510.3, NM_001354895.2, NM_001407450.1); c.4984_4985del, p.Gln1662fs (NM_001127511.3); c.5092_5093del, p.Gln1698fs (NM_001354896.2, NM_001407449.1, NM_001407447.1 and 1 more transcripts); c.5068_5069del, p.Gln1690fs (NM_001354897.2); c.4963_4964del, p.Gln1655fs (NM_001354898.2); c.4954_4955del, p.Gln1652fs (NM_001354899.2); c.4915_4916del, p.Gln1639fs (NM_001354900.2); c.5017_5018del, p.Gln1673fs (NM_001407451.1); and 12 more; short protein forms Q1296fs, Q1397fs, Q1520fs, Q1551fs, Q1554fs, Q1579fs, Q1589fs, Q1597fs.
Identifiers: ClinVar variation 3340529 (VCV003340529.4).